The following is an entry in ClinVar:

NM_001127222.2(CACNA1A):c.3009A>T (p.Arg1003Ser)

Gene: CACNA1A (calcium voltage-gated channel subunit alpha1 A; minus strand). Cytogenetic location: 19p13.13.
Variant type: single nucleotide variant.
Coding change: c.3009A>T on transcript NM_001127222.2 (MANE Select); coding-DNA position 3009, A replaced by T.
Protein change: p.Arg1003Ser; replaces arginine 1003 with serine.
Molecular consequence: missense variant.
Genome position (GRCh38, 1-based): chr19:13,298,624, T>A on the plus strand (A>T on the coding strand, the complement: CACNA1A is on the minus strand). VCF-style: chr19-13298624-T-A. GRCh37 (hg19) VCF-style: chr19-13409438-T-A.
Other names: c.3021A>T, p.Arg1007Ser (NM_000068.4, NM_023035.3); c.3012A>T, p.Arg1004Ser (NM_001127221.2, NM_001174080.2); short protein forms R1003S, R1004S, R1007S.
Identifiers: ClinVar variation 3369056 (VCV003369056.1).
Genomic context (GRCh38, chr19:13,298,624, plus strand): 5'-CTCCTTGTCCTCCCTCCGCGCGTCCCCCTCGTACGTGGCTGGAGCGCCATGCCGGTGCCT[T>A]CTCCTGCGCTCGCCCCCGTCGGGGCCCTCGCCCTCGCCCTCGCCGCCCCGGGCCGGCCGG-3'
Protein context (NP_001120694.1, residues 993-1013): GEGPDGGERR[Arg1003Ser]RHRHGAPATY

ClinVar aggregate classification (germline): Uncertain significance (1 of 4 stars; one submission).

Submission:

GeneDx
Classification: Uncertain significance. Last evaluated: 2024-02-12. Review status: criteria provided, single submitter. Criteria: GeneDx Variant Classification Process June 2021. Collection method: clinical testing. Allele origin: germline. Affected: yes.
Comment: Not observed at significant frequency in large population cohorts (gnomAD); In silico analysis supports that this missense variant has a deleterious effect on protein structure/function; Has not been previously published as pathogenic or benign to our knowledge